The following is an entry in ClinVar:

ClinVar aggregate classification (germline): Uncertain significance (1 of 4 stars; one submission).

Submission:

Labcorp Genetics (formerly Invitae), Labcorp
Classification: Uncertain significance. Last evaluated: 2022-08-14. Review status: criteria provided, single submitter. Criteria: Invitae Variant Classification Sherloc (09022015). Collection method: clinical testing. Allele origin: germline.
Comment: In summary, the available evidence is currently insufficient to determine the role of this variant in disease. Therefore, it has been classified as a Variant of Uncertain Significance. A similar copy number variant has been observed in individual(s) with intellectual disability syndrome (PMID: 22872102). It has also been observed to segregate with disease in related individuals. This variant results in a copy number gain of the genomic region encompassing exon(s) 5 of the AUTS2 gene. While the exact position of this variant cannot be determined from the data, sub-genic copy number gains are generally in tandem (PMID: 25640679). This variant is predicted to be in-frame, and likely preserves the integrity of the reading frame.

Literature cited by the submitters: PubMed 22872102; PubMed 25640679.

NC_000007.13:g.(?_69900718)_(69900787_?)dup

Gene: AUTS2 (activator of transcription and developmental regulator AUTS2; plus strand). Cytogenetic location: 7q11.22.
Variant type: Duplication.
Identifiers: ClinVar variation 2426190 (VCV002426190.4).